The following is an entry in ClinVar:

ClinVar aggregate classification (germline): Uncertain significance. Review status: reviewed by expert panel (3 of 4 stars). 4 submissions from 4 submitters: Uncertain significance (1). 3 of the submissions do not count toward it. Last evaluated 2024-07-25.

Conditions:
Acute myeloid leukemia (AML). Also called: Acute myeloid leukemia, adult; AML adult; Acute non-lymphocytic leukemia; Acute granulocytic leukemia; Leukemia, acute myelogenous, somatic; Leukemia, acute myeloid, somatic. Identifiers: Orphanet 519, MedGen C0023467, MeSH D015470, MONDO:0018874, OMIM 601626, HP:0004808. Disease mechanism: Constitutively activated FLT3.
Hereditary thrombocytopenia and hematologic cancer predisposition syndrome. Identifiers: Orphanet 71290, MedGen CN281654, MONDO:0011071.
Inborn genetic diseases. Identifiers: MedGen C0950123, MeSH D030342.
Hereditary thrombocytopenia and hematological cancer predisposition syndrome associated with RUNX1. Also called: Familial Platelet Disorder with Propensity to Acute Myelogenous Leukemia; Familial thrombocytopenia with propensity to acute myelogenous leukemia; PLATELET DISORDER, ASPIRIN-LIKE; RUNX1 Familial Platelet Disorder with Associated Myeloid Malignancies. Identifiers: Orphanet 71290, MedGen C1832388, MeSH C563324, MONDO:0100083, OMIM 601399.

Allele frequency attached by ClinVar (database versions not stated): gnomAD exomes 0.00001; gnomAD 0.00002; TOPMed 0.00002.

Submissions (4):

ClinGen Myeloid Malignancy Variant Curation Expert Panel
Classification: Uncertain significance for Hereditary thrombocytopenia and hematologic cancer predisposition syndrome. Last evaluated: 2024-07-25. Review status: reviewed by expert panel. Criteria: ClinGen MyeloMalig ACMG Specifications v2. Collection method: curation. Allele origin: germline. Inheritance: Autosomal dominant inheritance.
Comment: NM_001754.5(RUNX1):c.748C>T (p.Arg250Cys) is a missense variant which is completely absent from all population databases with at least 20x coverage for RUNX1 (PM2_supporting). In summary, the clinical significance of this variant is uncertain. ACMG/AMP criteria applied, as specified by the Myeloid Malignancy Variant Curation Expert Panel for RUNX1: PM2_supporting.

Labcorp Genetics (formerly Invitae), Labcorp
Classification: Uncertain significance for Hereditary thrombocytopenia and hematological cancer predisposition syndrome associated with RUNX1. Last evaluated: 2025-05-27. Review status: criteria provided, single submitter. Criteria: Invitae Variant Classification Sherloc (09022015). Collection method: clinical testing. Allele origin: germline. Not counted in ClinVar's aggregate classification.
Comment: This sequence change replaces arginine, which is basic and polar, with cysteine, which is neutral and slightly polar, at codon 250 of the RUNX1 protein (p.Arg250Cys). This variant is not present in population databases (gnomAD no frequency). This variant has not been reported in the literature in individuals affected with RUNX1-related conditions. ClinVar contains an entry for this variant (Variation ID: 935114). Invitae Evidence Modeling of protein sequence and biophysical properties (such as structural, functional, and spatial information, amino acid conservation, physicochemical variation, residue mobility, and thermodynamic stability) has been performed for this missense variant. However, the output from this modeling did not meet the statistical confidence thresholds required to predict the impact of this variant on RUNX1 protein function. In summary, the available evidence is currently insufficient to determine the role of this variant in disease. Therefore, it has been classified as a Variant of Uncertain Significance.

Ambry Genetics
Classification: Uncertain significance for Inborn genetic diseases. Last evaluated: 2025-01-19. Review status: criteria provided, single submitter. Criteria: Ambry Variant Classification Scheme 2023. Collection method: clinical testing. Allele origin: germline. Not counted in ClinVar's aggregate classification.
Comment: The p.R250C variant (also known as c.748C>T), located in coding exon 6 of the RUNX1 gene, results from a C to T substitution at nucleotide position 748. The arginine at codon 250 is replaced by cysteine, an amino acid with highly dissimilar properties. This amino acid position is highly conserved in available vertebrate species. In addition, this alteration is predicted to be deleterious by in silico analysis. Based on the available evidence, the clinical significance of this variant remains unclear.

Baylor Genetics
Classification: Uncertain significance for Acute myeloid leukemia. Last evaluated: 2024-03-22. Review status: criteria provided, single submitter. Criteria: ACMG Guidelines, 2015. Collection method: clinical testing. Allele origin: unknown. Not counted in ClinVar's aggregate classification.

NM_001754.5(RUNX1):c.748C>T (p.Arg250Cys)

Gene: RUNX1 (RUNX family transcription factor 1; minus strand). Cytogenetic location: 21q22.12.
Variant type: single nucleotide variant.
Coding change: c.748C>T on transcript NM_001754.5 (MANE Select); coding-DNA position 748, C replaced by T.
Protein change: p.Arg250Cys; replaces arginine 250 with cysteine.
Molecular consequence: missense variant.
Genome position (GRCh38, 1-based): chr21:34,834,467, G>A on the plus strand (C>T on the coding strand, the complement: RUNX1 is on the minus strand). VCF-style: chr21-34834467-G-A. GRCh37 (hg19) VCF-style: chr21-36206764-G-A.
Other names: NM_001754.5(RUNX1):c.748C>T; p.Arg250Cys; c.667C>T, p.Arg223Cys (NM_001001890.3, NM_001122607.2); short protein forms R250C, R223C.
Identifiers: ClinVar variation 935114 (VCV000935114.10), dbSNP rs1296210151, ClinGen allele CA410206771.